The following is an entry in ClinVar:

NM_004006.3(DMD):c.2296A>G (p.Ile766Val)

Gene: DMD (dystrophin; minus strand). Cytogenetic location: Xp21.1.
Variant type: single nucleotide variant.
Coding change: c.2296A>G on transcript NM_004006.3 (MANE Select); coding-DNA position 2296, A replaced by G.
Protein change: p.Ile766Val; replaces isoleucine 766 with valine.
Molecular consequence: missense variant.
Genome position (GRCh38, 1-based): chrX:32,501,839, T>C on the plus strand (A>G on the coding strand, the complement: DMD is on the minus strand). VCF-style: chrX-32501839-T-C. GRCh37 (hg19) VCF-style: chrX-32519956-T-C.
Other names: c.2272A>G, p.Ile758Val (NM_000109.4); c.2284A>G, p.Ile762Val (NM_004009.3); c.1927A>G, p.Ile643Val (NM_004010.3); short protein forms I643V, I762V, I758V, I766V.
Identifiers: ClinVar variation 937807 (VCV000937807.12), dbSNP rs372490563, ClinGen allele CA10379561.

ClinVar aggregate classification (germline): Uncertain significance. Review status: criteria provided, multiple submitters, no conflicts (2 of 4 stars). 3 submissions from 3 submitters: Uncertain significance (2). 1 of the submissions does not count toward it. Last evaluated 2025-10-16.

Conditions:
Cardiovascular phenotype. Identifiers: MedGen CN230736.
Duchenne muscular dystrophy (DMD). Also called: Duchenne Muscular Dystrophy (DMD); MUSCULAR DYSTROPHY, PSEUDOHYPERTROPHIC PROGRESSIVE, DUCHENNE TYPE. Identifiers: Orphanet 98896, MedGen C0013264, MONDO:0010679, OMIM 310200.
Cardiomyopathy (CMYO). Also called: Cardiomyopathies. Identifiers: Orphanet 167848, MedGen C0878544, MONDO:0004994, HP:0001638. Inheritance: Various modes of inheritance.
Dystrophin deficiency.
Becker muscular dystrophy (BMD). Also called: MUSCULAR DYSTROPHY, PSEUDOHYPERTROPHIC PROGRESSIVE, BECKER TYPE; Becker Muscular Dystrophy (BMD). Identifiers: Orphanet 98895, MedGen C0917713, MONDO:0010311, OMIM 300376.

Allele frequency attached by ClinVar (database versions not stated): gnomAD exomes below 0.00001 and 0.00001; TOPMed 0.00003; ExAC 0.00004; gnomAD 0.00005; ESP Exome Variant Server 0.00009.
gnomAD v4.1: 6 of 1,194,386 alleles (0.0005%); highest among the groups gnomAD compares: African/African-American, 0.0088%; no homozygotes.

Submissions (3):

Labcorp Genetics (formerly Invitae), Labcorp
Classification: Uncertain significance for Duchenne muscular dystrophy. Last evaluated: 2025-10-16. Review status: criteria provided, single submitter. Criteria: Invitae Variant Classification Sherloc (09022015). Collection method: clinical testing. Allele origin: germline.
Comment: This sequence change replaces isoleucine, which is neutral and non-polar, with valine, which is neutral and non-polar, at codon 766 of the DMD protein (p.Ile766Val). The frequency data for this variant in the population databases is considered unreliable, as metrics indicate poor data quality at this position in the gnomAD database. This variant has not been reported in the literature in individuals affected with DMD-related conditions. ClinVar contains an entry for this variant (Variation ID: 937807). Invitae Evidence Modeling of protein sequence and biophysical properties (such as structural, functional, and spatial information, amino acid conservation, physicochemical variation, residue mobility, and thermodynamic stability) indicates that this missense variant is not expected to disrupt DMD protein function with a negative predictive value of 95%. In summary, the available evidence is currently insufficient to determine the role of this variant in disease. Therefore, it has been classified as a Variant of Uncertain Significance.

Ambry Genetics
Classification: Uncertain significance for Cardiovascular phenotype. Last evaluated: 2020-07-28. Review status: criteria provided, single submitter. Criteria: Ambry Variant Classification Scheme 2023. Collection method: clinical testing. Allele origin: germline.
Comment: The p.I766V variant (also known as c.2296A>G), located in coding exon 19 of the DMD gene, results from an A to G substitution at nucleotide position 2296. The isoleucine at codon 766 is replaced by valine, an amino acid with highly similar properties. Based on data from gnomAD, the G allele has an overall frequency of 0.002% (3/189865) total alleles studied, including one hemizygote. This amino acid position is highly conserved in available vertebrate species. In addition, this alteration is predicted to be tolerated by in silico analysis. Since supporting evidence is limited at this time, the clinical significance of this alteration remains unclear.

Natera, Inc.
Classification: Uncertain significance for Becker muscular dystrophy; Cardiomyopathy; Duchenne muscular dystrophy; Dystrophin deficiency. Last evaluated: 2020-05-06. Review status: no assertion criteria provided. Collection method: clinical testing. Allele origin: germline. Not counted in ClinVar's aggregate classification.